The following is an entry in ClinVar:

NM_007294.4(BRCA1):c.4970T>G (p.Leu1657Arg)

Gene: BRCA1 (BRCA1 DNA repair associated; minus strand). Cytogenetic location: 17q21.31.
Variant type: single nucleotide variant.
Coding change: c.4970T>G on transcript NM_007294.4 (MANE Select); coding-DNA position 4970, T replaced by G.
Protein change: p.Leu1657Arg; replaces leucine 1657 with arginine.
Molecular consequence: missense variant. On other transcripts: non-coding transcript variant (1).
Genome position (GRCh38, 1-based): chr17:43,070,944, A>C on the plus strand (T>G on the coding strand, the complement: BRCA1 is on the minus strand). VCF-style: chr17-43070944-A-C. GRCh37 (hg19) VCF-style: chr17-41222961-A-C.
Other names: c.4967T>G, p.Leu1656Arg (NM_001407626.1, NM_001407858.1, NM_001407618.1 and 17 more transcripts); c.4964T>G, p.Leu1655Arg (NM_001407637.1, NM_001407638.1, NM_001407639.1 and 14 more transcripts); c.4961T>G, p.Leu1654Arg (NM_001407644.1, NM_001407645.1); c.4958T>G, p.Leu1653Arg (NM_001407646.1); c.4886T>G, p.Leu1629Arg (NM_001407659.1, NM_001407660.1, NM_001407661.1 and 2 more transcripts); c.4847T>G, p.Leu1616Arg (NM_001407664.1, NM_001407665.1, NM_001407666.1 and 6 more transcripts); c.4844T>G, p.Leu1615Arg (NM_001407678.1, NM_001407679.1, NM_001407680.1 and 11 more transcripts); c.4841T>G, p.Leu1614Arg (NM_001407681.1, NM_001407682.1, NM_001407683.1 and 6 more transcripts); and 70 more; short protein forms L553R, L1678R, L1610R, L1657R, L1360R, L1544R, L1585R, L1590R.
Identifiers: ClinVar variation 865475 (VCV000865475.3), dbSNP rs1597830263, ClinGen allele CA10591585.

Conditions:
Breast-ovarian cancer, familial, susceptibility to, 1 (BROVCA1). Also called: BRCA1 Hereditary Breast and Ovarian Cancer; OVARIAN CANCER, SUSCEPTIBILITY TO. Identifiers: Orphanet 145, MedGen C2676676, MONDO:0011450, OMIM 604370. Disease mechanism: loss of function.

Submission:

Brotman Baty Institute, University of Washington
No classification provided (evidence only). Condition: Breast-ovarian cancer, familial 1. Review status: no classification provided. Collection method: in vitro. Allele origin: not applicable. Functional consequence: functionally_abnormal.
ClinVar note: "not provided" was previously submitted as the classification for the variant. However, the classification appeared to be based only on an observation of functional data so it was converted to no classification on 2025-07-30.